The following is an entry in ClinVar:

ClinVar aggregate classification (germline): Uncertain significance (1 of 4 stars; one submission).

Allele frequency attached by ClinVar (database versions not stated): gnomAD exomes below 0.00001; ExAC 0.00001; gnomAD 0.00001; TOPMed 0.00004.
gnomAD v4.1: 9 of 1,613,936 alleles (0.00056%); highest among the groups gnomAD compares: African/African-American, 0.0093%; no homozygotes.

Submission:

Labcorp Genetics (formerly Invitae), Labcorp
Classification: Uncertain significance. Last evaluated: 2023-09-25. Review status: criteria provided, single submitter. Criteria: Invitae Variant Classification Sherloc (09022015). Collection method: clinical testing. Allele origin: germline.
Comment: In summary, the available evidence is currently insufficient to determine the role of this variant in disease. Therefore, it has been classified as a Variant of Uncertain Significance. An algorithm developed to predict the effect of missense changes on protein structure and function (PolyPhen-2) suggests that this variant is likely to be disruptive. ClinVar contains an entry for this variant (Variation ID: 1494023). This missense change has been observed in individual(s) with clinical features of retinitis pigmentosa (Invitae). In at least one individual the data is consistent with being in trans (on the opposite chromosome) from a pathogenic variant. This variant is present in population databases (rs745609370, gnomAD 0.007%). This sequence change replaces glycine, which is neutral and non-polar, with arginine, which is basic and polar, at codon 264 of the CNGA1 protein (p.Gly264Arg).

NM_001379270.1(CNGA1):c.778G>C (p.Gly260Arg)

Genes: CNGA1 (cyclic nucleotide gated channel subunit alpha 1; minus strand), LOC101927157 (uncharacterized LOC101927157; plus strand). Cytogenetic location: 4p12.
Variant type: single nucleotide variant.
Coding change: c.778G>C on transcript NM_001379270.1 (MANE Select); coding-DNA position 778, G replaced by C.
Protein change: p.Gly260Arg; replaces glycine 260 with arginine.
Molecular consequence: missense variant.
Genome position (GRCh38, 1-based): chr4:47,937,704, C>G on the plus strand (G>C on the coding strand, the complement: CNGA1 is on the minus strand). VCF-style: chr4-47937704-C-G. GRCh37 (hg19) VCF-style: chr4-47939721-C-G.
Other names: c.778G>C, p.Gly260Arg (NM_000087.5, NM_001142564.2); short protein forms G260R.
Identifiers: ClinVar variation 1494023 (VCV001494023.6), dbSNP rs745609370, ClinGen allele CA2911195.